The following is an entry in ClinVar:

NM_032447.5(FBN3):c.2709C>G (p.Asp903Glu)

Gene: FBN3 (fibrillin 3; minus strand). Cytogenetic location: 19p13.2.
Variant type: single nucleotide variant.
Coding change: c.2709C>G on transcript NM_032447.5 (MANE Select); coding-DNA position 2709, C replaced by G.
Protein change: p.Asp903Glu; replaces aspartic acid 903 with glutamic acid.
Molecular consequence: missense variant.
Genome position (GRCh38, 1-based): chr19:8,125,914, G>C on the plus strand (C>G on the coding strand, the complement: FBN3 is on the minus strand). VCF-style: chr19-8125914-G-C. GRCh37 (hg19) VCF-style: chr19-8190798-G-C.
Other names: c.2709C>G, p.Asp903Glu (NM_001321431.2); c.2709C>G (NM_032447.3); short protein forms D903E.
Identifiers: ClinVar variation 2420508 (VCV002420508.7), dbSNP rs144577347, ClinGen allele CA9152762.

ClinVar aggregate classification (germline): Conflicting classifications of pathogenicity. Review status: criteria provided, conflicting classifications (1 of 4 stars). 2 submissions from 2 submitters: Uncertain significance (1); Likely benign (1). Last evaluated 2025-11-21.

Allele frequency attached by ClinVar (database versions not stated): ESP Exome Variant Server 0.00008; gnomAD 0.00009; 1000 Genomes Project 30x 0.00016; 1000 Genomes Project 0.00020.
gnomAD v4.1: 20 of 1,613,246 alleles (0.0012%); highest among the groups gnomAD compares: African/African-American, 0.021%; no homozygotes.

Submissions (2):

Labcorp Genetics (formerly Invitae), Labcorp
Classification: Uncertain significance. Last evaluated: 2025-11-21. Review status: criteria provided, single submitter. Criteria: Invitae Variant Classification Sherloc (09022015). Collection method: clinical testing. Allele origin: germline.
Comment: This sequence change replaces aspartic acid, which is acidic and polar, with glutamic acid, which is acidic and polar, at codon 903 of the FBN3 protein (p.Asp903Glu). This variant is present in population databases (rs144577347, gnomAD 0.02%). This variant has not been reported in the literature in individuals affected with FBN3-related conditions. ClinVar contains an entry for this variant (Variation ID: 2420508). Invitae Evidence Modeling of protein sequence and biophysical properties (such as structural, functional, and spatial information, amino acid conservation, physicochemical variation, residue mobility, and thermodynamic stability) indicates that this missense variant is not expected to disrupt FBN3 protein function with a negative predictive value of 80%. In summary, the available evidence is currently insufficient to determine the role of this variant in disease. Therefore, it has been classified as a Variant of Uncertain Significance.

Ambry Genetics
Classification: Likely benign. Last evaluated: 2025-06-07. Review status: criteria provided, single submitter. Criteria: Ambry Variant Classification Scheme 2023. Collection method: clinical testing. Allele origin: germline.